The following is an entry in ClinVar:

ClinVar aggregate classification (germline): Conflicting classifications of pathogenicity. Review status: criteria provided, conflicting classifications (1 of 4 stars). 2 submissions from 2 submitters: Uncertain significance (1); Likely benign (1). Last evaluated 2025-09-28.

Conditions:
POLD1-related polyposis and colorectal cancer syndrome (CRCS10). Also called: Colorectal cancer 10; COLORECTAL CANCER, SUSCEPTIBILITY TO, ON CHROMOSOME 19q; Colorectal cancer, susceptibility to, 10. Identifiers: Orphanet 220460, MedGen C2675481, MONDO:0012953, OMIM 612591.
Hereditary cancer-predisposing syndrome. Also called: Tumor predisposition; Neoplastic Syndromes, Hereditary; Hereditary Cancer Syndrome; Hereditary neoplastic syndrome. Identifiers: Orphanet 140162, MedGen C0027672, MeSH D009386, MONDO:0015356.

Submissions (2):

Labcorp Genetics (formerly Invitae), Labcorp
Classification: Uncertain significance for POLD1-related polyposis and colorectal cancer syndrome. Last evaluated: 2025-09-28. Review status: criteria provided, single submitter. Criteria: Invitae Variant Classification Sherloc (09022015). Collection method: clinical testing. Allele origin: germline.
Comment: This sequence change replaces aspartic acid, which is acidic and polar, with glutamic acid, which is acidic and polar, at codon 644 of the POLD1 protein (p.Asp644Glu). This variant is present in population databases (no rsID available, gnomAD 0.003%). This variant has not been reported in the literature in individuals affected with POLD1-related conditions. ClinVar contains an entry for this variant (Variation ID: 537103). Invitae Evidence Modeling of protein sequence and biophysical properties (such as structural, functional, and spatial information, amino acid conservation, physicochemical variation, residue mobility, and thermodynamic stability) indicates that this missense variant is not expected to disrupt POLD1 protein function with a negative predictive value of 80%. In summary, the available evidence is currently insufficient to determine the role of this variant in disease. Therefore, it has been classified as a Variant of Uncertain Significance.

Ambry Genetics
Classification: Likely benign for Hereditary cancer-predisposing syndrome. Last evaluated: 2025-03-13. Review status: criteria provided, single submitter. Criteria: Ambry Variant Classification Scheme 2023. Collection method: clinical testing. Allele origin: germline.

NM_002691.4(POLD1):c.1932C>A (p.Asp644Glu)

Gene: POLD1 (DNA polymerase delta 1, catalytic subunit; plus strand). Cytogenetic location: 19q13.33.
Variant type: single nucleotide variant.
Coding change: c.1932C>A on transcript NM_002691.4 (MANE Select); coding-DNA position 1932, C replaced by A.
Protein change: p.Asp644Glu; replaces aspartic acid 644 with glutamic acid.
Molecular consequence: missense variant. On other transcripts: non-coding transcript variant (1).
Genome position (GRCh38, 1-based): chr19:50,409,161, C>A. VCF-style: chr19-50409161-C-A. GRCh37 (hg19) VCF-style: chr19-50912418-C-A.
Other names: c.1932C>A, p.Asp644Glu (NM_001256849.1); c.2010C>A, p.Asp670Glu (NM_001308632.1); c.1932C>A (NM_002691.2); short protein forms D644E, D670E.
Identifiers: ClinVar variation 537103 (VCV000537103.10), dbSNP rs80214209, ClinGen allele CA406982265.